The following is an entry in ClinVar:

ClinVar aggregate classification (germline): Uncertain significance. Review status: criteria provided, multiple submitters, no conflicts (2 of 4 stars). 2 submissions from 2 submitters: Uncertain significance (2). Last evaluated 2025-03-20.

Conditions:
RYR1-related disorder. Also called: RYR1-related condition; RYR1-related disorders. Identifiers: MedGen CN239331.
Malignant hyperthermia, susceptibility to, 1 (MHS1). Also called: RYR1-Related Malignant Hyperthermia Susceptibility; Anesthesia related hyperthermia; Malignant hyperpyrexia; Fulminating hyperpyrexia; Pharmacogenic myopathy; Malignant hyperthermia suceptibility 1. Identifiers: Orphanet 423, MedGen C2930980, MONDO:0007783, OMIM 145600.

Allele frequency attached by ClinVar (database versions not stated): gnomAD 0.00001.
gnomAD v4.1: 22 of 1,613,958 alleles (0.0014%); highest among the groups gnomAD compares: Non-Finnish European, 0.0018%; no homozygotes.

Submissions (2):

Labcorp Genetics (formerly Invitae), Labcorp
Classification: Uncertain significance for RYR1-related disorder. Last evaluated: 2025-03-20. Review status: criteria provided, single submitter. Criteria: Invitae Variant Classification Sherloc (09022015). Collection method: clinical testing. Allele origin: germline.
Comment: This sequence change replaces valine, which is neutral and non-polar, with leucine, which is neutral and non-polar, at codon 839 of the RYR1 protein (p.Val839Leu). This variant is not present in population databases (gnomAD no frequency). This variant has not been reported in the literature in individuals affected with RYR1-related conditions. ClinVar contains an entry for this variant (Variation ID: 3069790). Invitae Evidence Modeling of protein sequence and biophysical properties (such as structural, functional, and spatial information, amino acid conservation, physicochemical variation, residue mobility, and thermodynamic stability) indicates that this missense variant is not expected to disrupt RYR1 protein function with a negative predictive value of 95%. In summary, the available evidence is currently insufficient to determine the role of this variant in disease. Therefore, it has been classified as a Variant of Uncertain Significance.

All of Us Research Program, National Institutes of Health
Classification: Uncertain significance for Malignant hyperthermia, susceptibility to, 1. Last evaluated: 2023-06-26. Review status: criteria provided, single submitter. Criteria: ACMG Guidelines, 2015. Collection method: clinical testing. Allele origin: germline. Inheritance: Autosomal dominant inheritance. Observed: 2 variant alleles, 2 heterozygotes.
Comment: This missense variant replaces valine with leucine at codon 839 of the RYR1 protein. Computational prediction suggests that this variant may not impact protein structure and function (internally defined REVEL score threshold <= 0.5, PMID: 27666373). To our knowledge, functional studies have not been reported for this variant. This variant has not been reported in individuals affected with RYR1-related disorders in the literature. This variant has been identified in 2/282544 chromosomes in the general population by the Genome Aggregation Database (gnomAD). The available evidence is insufficient to determine the role of this variant in disease conclusively. Therefore, this variant is classified as a Variant of Uncertain Significance.

This study involves interpretation of variants in research participants for the purpose of population health screening. Participant phenotype was not available at the time of variant classification. Additional details can be found in publication PMID: 35346344, PMCID: PMC8962531

NM_000540.3(RYR1):c.2515G>T (p.Val839Leu)

Gene: RYR1 (ryanodine receptor 1; plus strand). Cytogenetic location: 19q13.2.
Variant type: single nucleotide variant.
Coding change: c.2515G>T on transcript NM_000540.3 (MANE Select); coding-DNA position 2515, G replaced by T.
Protein change: p.Val839Leu; replaces valine 839 with leucine.
Molecular consequence: missense variant.
Genome position (GRCh38, 1-based): chr19:38,460,529, G>T. VCF-style: chr19-38460529-G-T. GRCh37 (hg19) VCF-style: chr19-38951169-G-T.
Other names: c.2515G>T, p.Val839Leu (NM_001042723.2); short protein forms V839L.
Identifiers: ClinVar variation 3069790 (VCV003069790.3), dbSNP rs1395839581, ClinGen allele CA405629866.
Genomic context (GRCh38, chr19:38,460,529, plus strand): 5'-CGACTCCATCTTGAACCCATCAAGGAGTATCGACGGGAGGGGCCCCGGGGGCCTCACCTG[G>T]TGGGCCCCAGTCGCTGCCTCTCACACACCGACTTCGTGCCCTGCCCTGTGGACACTGTCC-3'
Protein context (NP_000531.2, residues 829-849): RREGPRGPHL[Val839Leu]GPSRCLSHTD